The following is an entry in ClinVar:

ClinVar aggregate classification (germline): Pathogenic (1 of 4 stars; one submission).

Conditions:
Breast-ovarian cancer, familial, susceptibility to, 1 (BROVCA1). Also called: BRCA1 Hereditary Breast and Ovarian Cancer; OVARIAN CANCER, SUSCEPTIBILITY TO. Identifiers: Orphanet 145, MedGen C2676676, MONDO:0011450, OMIM 604370. Disease mechanism: loss of function.

Submission:

Department of Medical Genetics, Oslo University Hospital
Classification: Pathogenic for Breast-ovarian cancer, familial, susceptibility to, 1. Last evaluated: 2015-03-20. Review status: criteria provided, single submitter. Criteria: ACMG Guidelines, 2015. Collection method: clinical testing. Allele origin: germline. Affected: yes. Observed: 4 variant alleles.
Comment: Heterozygous deletion of exon 1-3

NC_000017.10:g.(41258551_41267742)_(41276114_?)del

Genes: BRCA1 (BRCA1 DNA repair associated; minus strand), LOC110485084 (BRCA1 intronic recombination region; plus strand), LOC111589216 (BRCA1 intron 2 regulatory region; plus strand). Cytogenetic location: 17q21.31.
Variant type: Deletion.
Identifiers: ClinVar variation 440440 (VCV000440440.1).